The following is an entry in ClinVar:

ClinVar aggregate classification (germline): Likely pathogenic (1 of 4 stars; one submission).

Conditions:
Combined osteogenesis imperfecta and Ehlers-Danlos syndrome 1. Also called: OIEDS SYNDROME 1. Identifiers: MedGen C5436842, MONDO:0030854, OMIM 619115.

Submission:

Institute of Human Genetics, University of Leipzig Medical Center
Classification: Likely pathogenic for Combined osteogenesis imperfecta and Ehlers-Danlos syndrome 1. Last evaluated: 2023-05-16. Review status: criteria provided, single submitter. Criteria: ACMG Guidelines, 2015. Collection method: clinical testing. Allele origin: unknown. Inheritance: Autosomal dominant inheritance. Affected: yes.
Comment: Criteria applied: PVS1,PM2_SUP

NM_000088.4(COL1A1):c.3814+1G>A

Gene: COL1A1 (collagen type I alpha 1 chain; minus strand). Cytogenetic location: 17q21.33.
Variant type: single nucleotide variant.
Coding change: c.3814+1G>A on transcript NM_000088.4 (MANE Select); the canonical splice donor site of the intron after coding-DNA position 3814, G replaced by A.
Molecular consequence: splice donor variant.
Genome position (GRCh38, 1-based): chr17:50,186,639, C>T on the plus strand (G>A on the coding strand, the complement: COL1A1 is on the minus strand). VCF-style: chr17-50186639-C-T. GRCh37 (hg19) VCF-style: chr17-48264000-C-T.
Identifiers: ClinVar variation 2576617 (VCV002576617.2), dbSNP rs2144535840, ClinGen allele CA400195845.